The following is an entry in ClinVar:

NM_000465.4(BARD1):c.1568+1G>A

Gene: BARD1 (BRCA1 associated RING domain 1; minus strand). Cytogenetic location: 2q35.
Variant type: single nucleotide variant.
Coding change: c.1568+1G>A on transcript NM_000465.4 (MANE Select); the canonical splice donor site of the intron after coding-DNA position 1568, G replaced by A.
Molecular consequence: splice donor variant. On other transcripts: intron variant (3).
Genome position (GRCh38, 1-based): chr2:214,767,481, C>T on the plus strand (G>A on the coding strand, the complement: BARD1 is on the minus strand). VCF-style: chr2-214767481-C-T. GRCh37 (hg19) VCF-style: chr2-215632205-C-T.
Other names: c.159-14926G>A (NM_001282548.2); c.1511+1G>A (NM_001282543.2); c.216-14926G>A (NM_001282545.2); c.364+24816G>A (NM_001282549.2).
Identifiers: ClinVar variation 1345623 (VCV001345623.27), dbSNP rs2106076135, ClinGen allele CA350448062.

ClinVar aggregate classification (germline): Likely pathogenic. Review status: criteria provided, multiple submitters, no conflicts (2 of 4 stars). 3 submissions from 3 submitters: Likely pathogenic (2). 1 of the submissions does not count toward it. Last evaluated 2025-07-15.

Conditions:
Gastric cancer. Also called: Malignant tumor of stomach; Stomach cancer. Identifiers: MedGen C0024623, MeSH D013274, MONDO:0001056, OMIM 613659, HP:0012126.
Familial cancer of breast. Also called: hereditary breast carcinoma; Hereditary breast cancer; BREAST CANCER, FAMILIAL. Identifiers: Orphanet 227535, MedGen C0346153, MONDO:0016419, OMIM 114480. Disease mechanism: loss of function.

Submissions (3):

Labcorp Genetics (formerly Invitae), Labcorp
Classification: Likely pathogenic for Familial cancer of breast. Last evaluated: 2025-07-15. Review status: criteria provided, single submitter. Criteria: Invitae Variant Classification Sherloc (09022015). Collection method: clinical testing. Allele origin: germline.
Comment: This sequence change affects a donor splice site in intron 6 of the BARD1 gene. It is expected to disrupt RNA splicing. Variants that disrupt the donor or acceptor splice site typically lead to a loss of protein function (PMID: 16199547), and loss-of-function variants in BARD1 are known to be pathogenic (PMID: 20077502, 21344236). This variant is not present in population databases (gnomAD no frequency). This variant has not been reported in the literature in individuals affected with BARD1-related conditions. ClinVar contains an entry for this variant (Variation ID: 1345623). Algorithms developed to predict the effect of sequence changes on RNA splicing suggest that this variant may disrupt the consensus splice site. In summary, the currently available evidence indicates that the variant is pathogenic, but additional data are needed to prove that conclusively. Therefore, this variant has been classified as Likely Pathogenic.

Myriad Genetics, Inc.
Classification: Likely pathogenic for Familial cancer of breast. Last evaluated: 2023-05-23. Review status: criteria provided, single submitter. Criteria: Myriad Autosomal Dominant, Autosomal Recessive and X-Linked Classification Criteria (2023). Collection method: clinical testing. Allele origin: unknown.
Comment: This variant is considered likely pathogenic. This variant occurs within a consensus splice junction and is predicted to result in abnormal mRNA splicing of either an out-of-frame exon or an in-frame exon necessary for protein stability and/or normal function.

Laboratory for Genotyping Development, RIKEN
Classification: Pathogenic for Gastric cancer. Last evaluated: 2021-07-01. Review status: no assertion criteria provided. Collection method: research. Allele origin: germline. Not counted in ClinVar's aggregate classification.

Literature cited by the submitters: PubMed 16199547 (cited by Labcorp Genetics (formerly Invitae), Labcorp); PubMed 20077502 (cited by Labcorp Genetics (formerly Invitae), Labcorp); PubMed 21344236 (cited by Labcorp Genetics (formerly Invitae), Labcorp); PubMed 36988593 (cited by Laboratory for Genotyping Development, RIKEN).